The following is an entry in ClinVar:

ClinVar aggregate classification (germline): Likely benign. Review status: criteria provided, single submitter (1 of 4 stars). 2 submissions from 2 submitters: Likely benign (1). 1 of the submissions does not count toward it. Last evaluated 2026-07-01.

Conditions:
PI4KA-related disorder. Also called: PI4KA-related condition; PI4KA-related disorders. Identifiers: MedGen CN378147, MONDO:1040012.

Allele frequency attached by ClinVar (database versions not stated): gnomAD exomes 0.00028; ExAC 0.00087; gnomAD 0.00287; 1000 Genomes Project 0.00319; TOPMed 0.00338; ESP Exome Variant Server 0.00361; 1000 Genomes Project 30x 0.00375.
gnomAD v4.1: 866 of 1,613,834 alleles (0.054%); highest among the groups gnomAD compares: African/African-American, 0.94%; 4 homozygotes.

Submissions (2):

CeGaT Center for Human Genetics Tuebingen
Classification: Likely benign. Last evaluated: 2026-07-01. Review status: criteria provided, single submitter. Criteria: CeGaT Center For Human Genetics Tuebingen Variant Classification Criteria Version 2. Collection method: clinical testing. Allele origin: germline. Affected: yes. Observed: 3 variant alleles.
Comment: PI4KA: BP4, BP7

PreventionGenetics, part of Exact Sciences
Classification: Benign for PI4KA-related condition. Last evaluated: 2023-12-20. Review status: no assertion criteria provided. Collection method: clinical testing. Allele origin: germline. Not counted in ClinVar's aggregate classification.
Comment: This variant is classified as benign based on ACMG/AMP sequence variant interpretation guidelines (Richards et al. 2015 PMID: 25741868, with internal and published modifications).

NM_058004.4(PI4KA):c.870C>T (p.Pro290=)

Gene: PI4KA (phosphatidylinositol 4-kinase alpha; minus strand). Cytogenetic location: 22q11.21.
Variant type: single nucleotide variant.
Coding change: c.870C>T on transcript NM_058004.4 (MANE Select); coding-DNA position 870, C replaced by T.
Protein change: p.Pro290=; no amino-acid change (proline 290 retained).
Molecular consequence: synonymous variant.
Genome position (GRCh38, 1-based): chr22:20,813,493, G>A on the plus strand (C>T on the coding strand, the complement: PI4KA is on the minus strand). VCF-style: chr22-20813493-G-A. GRCh37 (hg19) VCF-style: chr22-21167781-G-A.
Other names: c.870C>T, p.Pro290= (NM_001362862.2, NM_001362863.2).
Identifiers: ClinVar variation 3044763 (VCV003044763.9), dbSNP rs146943439, ClinGen allele CA10116655.